The following is an entry in ClinVar:

ClinVar aggregate classification (germline): Uncertain significance (1 of 4 stars; one submission).

Conditions:
Long QT syndrome 10 (LQT10). Identifiers: Orphanet 101016, Orphanet 768, MedGen C2678484, MONDO:0012737, OMIM 611819.

gnomAD v4.1: 7 of 1,613,552 alleles (0.00043%); highest among the groups gnomAD compares: Non-Finnish European, 0.00059%; no homozygotes.

Submission:

Labcorp Genetics (formerly Invitae), Labcorp
Classification: Uncertain significance for Long QT syndrome 10. Last evaluated: 2024-09-12. Review status: criteria provided, single submitter. Criteria: Invitae Variant Classification Sherloc (09022015). Collection method: clinical testing. Allele origin: germline.
Comment: This sequence change replaces lysine, which is basic and polar, with glutamic acid, which is acidic and polar, at codon 137 of the SCN4B protein (p.Lys137Glu). This variant is not present in population databases (gnomAD no frequency). This variant has not been reported in the literature in individuals affected with SCN4B-related conditions. An algorithm developed to predict the effect of missense changes on protein structure and function (PolyPhen-2) suggests that this variant is likely to be disruptive. In summary, the available evidence is currently insufficient to determine the role of this variant in disease. Therefore, it has been classified as a Variant of Uncertain Significance.

NM_174934.4(SCN4B):c.409A>G (p.Lys137Glu)

Genes: SCN4B (sodium voltage-gated channel beta subunit 4; minus strand), LOC126861356 (BRD4-independent group 4 enhancer GRCh37_chr11:118014519-118015718; plus strand). Cytogenetic location: 11q23.3.
Variant type: single nucleotide variant.
Coding change: c.409A>G on transcript NM_174934.4 (MANE Select); coding-DNA position 409, A replaced by G.
Protein change: p.Lys137Glu; replaces lysine 137 with glutamic acid.
Molecular consequence: missense variant. On other transcripts: intron variant (1).
Genome position (GRCh38, 1-based): chr11:118,143,887, T>C on the plus strand (A>G on the coding strand, the complement: SCN4B is on the minus strand). VCF-style: chr11-118143887-T-C. GRCh37 (hg19) VCF-style: chr11-118014602-T-C.
Other names: c.79A>G, p.Lys27Glu (NM_001142349.2); c.62-2551A>G (NM_001142348.2); short protein forms K137E, K27E.
Identifiers: ClinVar variation 3651571 (VCV003651571.2).
Genomic context (GRCh38, chr11:118,143,887, plus strand): 5'-GCATACGTCTATCAACGACTTGGAGGAAGATGGTGGCGTGGTGCTGGAGATTATTCTCCT[T>C]GGGGTTCTTCACATGGCAGGTGTATTTGCCCGTGTCGCTGAACTCCAGGTCCCTCAGCAC-3'
Protein context (NP_777594.1, residues 127-147): GKYTCHVKNP[Lys137Glu]ENNLQHHATI